The following is an entry in ClinVar:

NM_138387.4(G6PC3):c.850A>G (p.Ile284Val)

Gene: G6PC3 (glucose-6-phosphatase catalytic subunit 3; plus strand). Cytogenetic location: 17q21.31.
Variant type: single nucleotide variant.
Coding change: c.850A>G on transcript NM_138387.4 (MANE Select); coding-DNA position 850, A replaced by G.
Protein change: p.Ile284Val; replaces isoleucine 284 with valine.
Molecular consequence: missense variant. On other transcripts: 3 prime UTR variant (1).
Genome position (GRCh38, 1-based): chr17:44,075,852, A>G. VCF-style: chr17-44075852-A-G. GRCh37 (hg19) VCF-style: chr17-42153220-A-G.
Other names: c.*143A>G (NM_001319945.2); c.505A>G, p.Ile169Val (NM_001384165.1, NM_001384166.1, NM_001384167.1 and 1 more transcripts); short protein forms I169V, I284V.
Identifiers: ClinVar variation 1337914 (VCV001337914.6), dbSNP rs2050092821, ClinGen allele CA399729447.

ClinVar aggregate classification (germline): Uncertain significance. Review status: criteria provided, multiple submitters, no conflicts (2 of 4 stars). 3 submissions from 3 submitters: Uncertain significance (3). Last evaluated 2024-12-09.

Conditions:
G6PC3-related disorder. Also called: G6PC3-related condition.
Inborn genetic diseases. Identifiers: MedGen C0950123, MeSH D030342.

Allele frequency attached by ClinVar (database versions not stated): gnomAD exomes 0.00001.
gnomAD v4.1: 5 of 1,612,242 alleles (0.00031%); highest among the groups gnomAD compares: Non-Finnish European, 0.00042%; no homozygotes.

Submissions (3):

Ambry Genetics
Classification: Uncertain significance for Inborn genetic diseases. Last evaluated: 2024-12-09. Review status: criteria provided, single submitter. Criteria: Ambry Variant Classification Scheme 2023. Collection method: clinical testing. Allele origin: germline.
Comment: The p.I284V variant (also known as c.850A>G), located in coding exon 6 of the G6PC3 gene, results from an A to G substitution at nucleotide position 850. The isoleucine at codon 284 is replaced by valine, an amino acid with highly similar properties. This amino acid position is conserved. In addition, this alteration is predicted to be tolerated by in silico analysis. Based on the available evidence, the clinical significance of this variant remains unclear.

PreventionGenetics, part of Exact Sciences
Classification: Uncertain significance for G6PC3-related condition. Last evaluated: 2022-12-21. Review status: criteria provided, single submitter. Criteria: ACMG Guidelines, 2015. Collection method: clinical testing. Allele origin: germline.
Comment: The G6PC3 c.850A>G variant is predicted to result in the amino acid substitution p.Ile284Val. To our knowledge, this variant has not been reported in the literature or in a large population database, indicating this variant is rare. At this time, the clinical significance of this variant is uncertain due to the absence of conclusive functional and genetic evidence.

Genetic Services Laboratory, University of Chicago
Classification: Uncertain significance. Last evaluated: 2021-04-09. Review status: criteria provided, single submitter. Criteria: ACMG Guidelines, 2015. Collection method: clinical testing. Allele origin: germline. Affected: no.
Comment: DNA sequence analysis of the G6PC3 gene demonstrated a sequence change, c.850A>G, in exon 6 that results in an amino acid change, p.Ile284Val. This sequence change does not appear to have been previously described in patients with G6PC3-related disorders and has also not been described in the large population databases such as ExAC and gnomAD. The p.Ile284Val change affects a poorly conserved amino acid residue located in a domain of the G6PC3 protein that is known to be functional. The p.Ile284Val substitution appears to be benign using several in-silico pathogenicity prediction tools (SIFT, PolyPhen2, Align GVGD, REVEL). Due to these contrasting evidences and the lack of functional studies, the clinical significance of the p.Ile284Val change remains unknown at this time.